The following is an entry in ClinVar:

ClinVar aggregate classification (germline): Conflicting classifications of pathogenicity. Review status: criteria provided, conflicting classifications (1 of 4 stars). 5 submissions from 5 submitters: Uncertain significance (3); Likely benign (2). Last evaluated 2026-06-29.

Conditions:
INF2-related disorder. Also called: INF2-related condition.
Inborn genetic diseases. Identifiers: MedGen C0950123, MeSH D030342.
Focal segmental glomerulosclerosis 5 (FSGS5). Identifiers: Orphanet 656, MedGen C2750475, MONDO:0013191, OMIM 613237.
Charcot-Marie-Tooth disease dominant intermediate E. Also called: CHARCOT-MARIE-TOOTH NEUROPATHY WITH FOCAL SEGMENTAL GLOMERULONEPHRITIS. Identifiers: Orphanet 93114, MedGen C4302667, MONDO:0013758, OMIM 614455.

Allele frequency attached by ClinVar (database versions not stated): gnomAD 0.00003; gnomAD exomes 0.00003 and 0.00004; TOPMed 0.00003; ExAC 0.00005.
gnomAD v4.1: 66 of 1,553,336 alleles (0.0042%); highest among the groups gnomAD compares: Middle Eastern, 0.021%; no homozygotes.

Submissions (5):

PreventionGenetics, part of Exact Sciences
Classification: Uncertain significance for INF2-related condition. Last evaluated: 2026-06-29. Review status: criteria provided, single submitter. Criteria: ACMG Guidelines, 2015. Collection method: clinical testing. Allele origin: germline.
Comment: The INF2 c.2804C>T variant is predicted to result in the amino acid substitution p.Ala935Val. To our knowledge, this variant has not been reported in the literature. This variant is reported in 0.011% of alleles in individuals of Ashkenazi Jewish descent in gnomAD. At this time, the clinical significance of this variant is uncertain due to the absence of conclusive functional and genetic evidence.

CeGaT Center for Human Genetics Tuebingen
Classification: Likely benign. Last evaluated: 2026-04-01. Review status: criteria provided, single submitter. Criteria: CeGaT Center For Human Genetics Tuebingen Variant Classification Criteria Version 2. Collection method: clinical testing. Allele origin: germline. Affected: yes. Observed: 1 variant allele.
Comment: INF2: BP4

Labcorp Genetics (formerly Invitae), Labcorp
Classification: Likely benign for Charcot-Marie-Tooth disease dominant intermediate E; Focal segmental glomerulosclerosis 5. Last evaluated: 2025-09-20. Review status: criteria provided, single submitter. Criteria: Invitae Variant Classification Sherloc (09022015). Collection method: clinical testing. Allele origin: germline.

Fulgent Genetics
Classification: Uncertain significance for Focal segmental glomerulosclerosis 5; Charcot-Marie-Tooth disease dominant intermediate E. Last evaluated: 2022-03-16. Review status: criteria provided, single submitter. Criteria: ACMG Guidelines, 2015. Collection method: clinical testing. Allele origin: unknown.

Ambry Genetics
Classification: Uncertain significance for Inborn genetic diseases. Last evaluated: 2020-02-25. Review status: criteria provided, single submitter. Criteria: Ambry Variant Classification Scheme 2023. Collection method: clinical testing. Allele origin: germline.
Comment: The p.A935V variant (also known as c.2804C>T), located in coding exon 18 of the INF2 gene, results from a C to T substitution at nucleotide position 2804. The alanine at codon 935 is replaced by valine, an amino acid with similar properties. This amino acid position is not well conserved in available vertebrate species, and valine is the reference amino acid in other vertebrate species. In addition, this alteration is predicted to be tolerated by in silico analysis. Since supporting evidence is limited at this time, the clinical significance of this alteration remains unclear.

NM_022489.4(INF2):c.2804C>T (p.Ala935Val)

Gene: INF2 (inverted formin 2; plus strand). Cytogenetic location: 14q32.33.
Variant type: single nucleotide variant.
Coding change: c.2804C>T on transcript NM_022489.4 (MANE Select); coding-DNA position 2804, C replaced by T.
Protein change: p.Ala935Val; replaces alanine 935 with valine.
Molecular consequence: missense variant.
Genome position (GRCh38, 1-based): chr14:104,713,235, C>T. VCF-style: chr14-104713235-C-T. GRCh37 (hg19) VCF-style: chr14-105179572-C-T.
Other names: c.2804C>T, p.Ala935Val (NM_001031714.4); short protein forms A935V.
Identifiers: ClinVar variation 582274 (VCV000582274.15), dbSNP rs781494318, ClinGen allele CA7373092.